The following is an entry in ClinVar:

NM_006231.4(POLE):c.909+5G>A

Gene: POLE (DNA polymerase epsilon, catalytic subunit; minus strand). Cytogenetic location: 12q24.33.
Variant type: single nucleotide variant.
Coding change: c.909+5G>A on transcript NM_006231.4 (MANE Select); 5 bases into the intron after coding-DNA position 909, G replaced by A.
Molecular consequence: intron variant.
Genome position (GRCh38, 1-based): chr12:132,676,541, C>T on the plus strand (G>A on the coding strand, the complement: POLE is on the minus strand). VCF-style: chr12-132676541-C-T. GRCh37 (hg19) VCF-style: chr12-133253127-C-T.
Identifiers: ClinVar variation 1021322 (VCV001021322.10), dbSNP rs2043056179, ClinGen allele CA2073003408.

ClinVar aggregate classification (germline): Uncertain significance. Review status: criteria provided, multiple submitters, no conflicts (2 of 4 stars). 2 submissions from 2 submitters: Uncertain significance (2). Last evaluated 2026-01-08.

Conditions:
Hereditary cancer-predisposing syndrome. Also called: Hereditary Cancer Syndrome; Neoplastic Syndromes, Hereditary; Tumor predisposition; Hereditary neoplastic syndrome. Identifiers: Orphanet 140162, MedGen C0027672, MeSH D009386, MONDO:0015356.

Allele frequency attached by ClinVar (database versions not stated): gnomAD exomes below 0.00001.
gnomAD v4.1: 1 of 1,599,724 alleles (0.000063%); highest among the groups gnomAD compares: Non-Finnish European, 0.000086%; no homozygotes.

Submissions (2):

Ambry Genetics
Classification: Uncertain significance for Hereditary cancer-predisposing syndrome. Last evaluated: 2026-01-08. Review status: criteria provided, single submitter. Criteria: Ambry Variant Classification Scheme 2023. Collection method: clinical testing. Allele origin: germline.
Comment: The c.909+5G>A intronic variant results from a G to A substitution 5 nucleotides after coding exon 9 in the POLE gene. This nucleotide position is well conserved in available vertebrate species. In silico splice site analysis predicts that this alteration will result in the creation or strengthening of a novel splice donor site. Based on the available evidence, the clinical significance of this variant remains unclear.

Labcorp Genetics (formerly Invitae), Labcorp
Classification: Uncertain significance. Last evaluated: 2025-02-04. Review status: criteria provided, single submitter. Criteria: Invitae Variant Classification Sherloc (09022015). Collection method: clinical testing. Allele origin: germline.
Comment: This sequence change falls in intron 9 of the POLE gene. It does not directly change the encoded amino acid sequence of the POLE protein. It affects a nucleotide within the consensus splice site. This variant is not present in population databases (gnomAD no frequency). This variant has not been reported in the literature in individuals affected with POLE-related conditions. ClinVar contains an entry for this variant (Variation ID: 1021322). Variants that disrupt the consensus splice site are a relatively common cause of aberrant splicing (PMID: 17576681, 9536098). Algorithms developed to predict the effect of sequence changes on RNA splicing suggest that this variant may disrupt the consensus splice site. In summary, the available evidence is currently insufficient to determine the role of this variant in disease. Therefore, it has been classified as a Variant of Uncertain Significance.

Literature cited by the submitters: PubMed 17576681 (cited by Labcorp Genetics (formerly Invitae), Labcorp); PubMed 9536098 (cited by Labcorp Genetics (formerly Invitae), Labcorp).